The following is an entry in ClinVar:

ClinVar aggregate classification (germline): Uncertain significance (1 of 4 stars; one submission).

Conditions:
Congenital neutropenia-myelofibrosis-nephromegaly syndrome. Also called: Severe congenital neutropenia 5, autosomal recessive. Identifiers: Orphanet 369852, MedGen C3809031, MONDO:0014118, OMIM 615285.

Submission:

Labcorp Genetics (formerly Invitae), Labcorp
Classification: Uncertain significance for Congenital neutropenia-myelofibrosis-nephromegaly syndrome. Last evaluated: 2024-05-07. Review status: criteria provided, single submitter. Criteria: Invitae Variant Classification Sherloc (09022015). Collection method: clinical testing. Allele origin: germline.
Comment: This sequence change replaces glutamine, which is neutral and polar, with arginine, which is basic and polar, at codon 84 of the VPS45 protein (p.Gln84Arg). This variant is not present in population databases (gnomAD no frequency). This variant has not been reported in the literature in individuals affected with VPS45-related conditions. Advanced modeling of protein sequence and biophysical properties (such as structural, functional, and spatial information, amino acid conservation, physicochemical variation, residue mobility, and thermodynamic stability) performed at Invitae indicates that this missense variant is not expected to disrupt VPS45 protein function with a negative predictive value of 80%. In summary, the available evidence is currently insufficient to determine the role of this variant in disease. Therefore, it has been classified as a Variant of Uncertain Significance.

NM_007259.5(VPS45):c.251A>G (p.Gln84Arg)

Gene: VPS45 (vacuolar protein sorting 45 homolog; plus strand). Cytogenetic location: 1q21.2.
Variant type: single nucleotide variant.
Coding change: c.251A>G on transcript NM_007259.5 (MANE Select); coding-DNA position 251, A replaced by G.
Protein change: p.Gln84Arg; replaces glutamine 84 with arginine.
Molecular consequence: missense variant. On other transcripts: non-coding transcript variant (1).
Genome position (GRCh38, 1-based): chr1:150,072,188, A>G. VCF-style: chr1-150072188-A-G. GRCh37 (hg19) VCF-style: chr1-150044255-A-G.
Other names: c.143A>G, p.Gln48Arg (NM_001279353.2, NM_001279354.2); short protein forms Q48R, Q84R.
Identifiers: ClinVar variation 3673647 (VCV003673647.2).